The following is an entry in ClinVar:

NM_000051.4(ATM):c.9113A>T (p.Gln3038Leu)

Genes: ATM (ATM serine/threonine kinase; plus strand), C11orf65 (chromosome 11 open reading frame 65; minus strand). Cytogenetic location: 11q22.3.
Variant type: single nucleotide variant.
Coding change: c.9113A>T on transcript NM_000051.4 (MANE Select); coding-DNA position 9113, A replaced by T.
Protein change: p.Gln3038Leu; replaces glutamine 3038 with leucine.
Molecular consequence: missense variant. On other transcripts: intron variant (2).
Genome position (GRCh38, 1-based): chr11:108,365,450, A>T. VCF-style: chr11-108365450-A-T. GRCh37 (hg19) VCF-style: chr11-108236177-A-T.
Other names: c.9113A>T, p.Gln3038Leu (NM_001351834.2); c.640+20470T>A (NM_001330368.2); c.694+20470T>A (NM_001351110.2); short protein forms Q3038L.
Identifiers: ClinVar variation 429453 (VCV000429453.22), dbSNP rs1131691391, ClinGen allele CA382531997.

ClinVar aggregate classification (germline): Uncertain significance. Review status: criteria provided, multiple submitters, no conflicts (2 of 4 stars). 5 submissions from 5 submitters: Uncertain significance (5). Last evaluated 2026-01-20.

Conditions:
Hereditary cancer-predisposing syndrome. Also called: Neoplastic Syndromes, Hereditary; Hereditary Cancer Syndrome; Tumor predisposition; Hereditary neoplastic syndrome. Identifiers: Orphanet 140162, MedGen C0027672, MeSH D009386, MONDO:0015356.
Familial cancer of breast. Also called: Hereditary breast cancer; BREAST CANCER, FAMILIAL; hereditary breast carcinoma. Identifiers: Orphanet 227535, MedGen C0346153, MONDO:0016419, OMIM 114480. Disease mechanism: loss of function.
Ataxia-telangiectasia syndrome (AT). Also called: LOUIS-BAR SYNDROME; Cerebello-oculocutaneous telangiectasia; Immunodeficiency with ataxia telangiectasia; Ataxia-telangiectasia, complementation group D; AT, COMPLEMENTATION GROUP C; Ataxia-telangiectasia, complementation group E. Identifiers: Orphanet 100, MedGen C0004135, MONDO:0008840, OMIM 208900.

Allele frequency attached by ClinVar (database versions not stated): gnomAD exomes below 0.00001.
gnomAD v4.1: 2 of 1,614,244 alleles (0.00012%); highest among the groups gnomAD compares: Non-Finnish European, 0.00017%; no homozygotes.

Submissions (5):

Labcorp Genetics (formerly Invitae), Labcorp
Classification: Uncertain significance for Ataxia-telangiectasia syndrome. Last evaluated: 2026-01-20. Review status: criteria provided, single submitter. Criteria: Invitae Variant Classification Sherloc (09022015). Collection method: clinical testing. Allele origin: germline.
Comment: This sequence change replaces glutamine, which is neutral and polar, with leucine, which is neutral and non-polar, at codon 3038 of the ATM protein (p.Gln3038Leu). This variant is not present in population databases (gnomAD no frequency). This variant has not been reported in the literature in individuals affected with ATM-related conditions. ClinVar contains an entry for this variant (Variation ID: 429453). Invitae Evidence Modeling of protein sequence and biophysical properties (such as structural, functional, and spatial information, amino acid conservation, physicochemical variation, residue mobility, and thermodynamic stability) indicates that this missense variant is expected to disrupt ATM protein function with a positive predictive value of 95%. In summary, the available evidence is currently insufficient to determine the role of this variant in disease. Therefore, it has been classified as a Variant of Uncertain Significance.

Ambry Genetics
Classification: Uncertain significance for Hereditary cancer-predisposing syndrome. Last evaluated: 2025-11-10. Review status: criteria provided, single submitter. Criteria: Ambry Variant Classification Scheme 2023. Collection method: clinical testing. Allele origin: germline.
Comment: The p.Q3038L variant (also known as c.9113A>T), located in coding exon 62 of the ATM gene, results from an A to T substitution at nucleotide position 9113. The glutamine at codon 3038 is replaced by leucine, an amino acid with dissimilar properties. This amino acid position is highly conserved in available vertebrate species. In addition, this alteration is predicted to be deleterious by in silico analysis. Based on the available evidence, the clinical significance of this variant remains unclear.

GeneDx
Classification: Uncertain significance. Last evaluated: 2024-07-18. Review status: criteria provided, single submitter. Criteria: GeneDx Variant Classification Process June 2021. Collection method: clinical testing. Allele origin: germline. Affected: yes.
Comment: Not observed at significant frequency in large population cohorts (gnomAD); In silico analysis supports that this missense variant has a deleterious effect on protein structure/function; Has not been previously published as pathogenic or benign to our knowledge; This variant is associated with the following publications: (PMID: 23532176)

Color Diagnostics, LLC DBA Color Health
Classification: Uncertain significance for Hereditary cancer-predisposing syndrome. Last evaluated: 2023-12-04. Review status: criteria provided, single submitter. Criteria: ACMG Guidelines, 2015. Collection method: clinical testing. Allele origin: germline.
Comment: This missense variant replaces glutamine with leucine at codon 3038 of the ATM protein. Computational prediction suggests that this variant may have deleterious impact on protein structure and function (internally defined REVEL score threshold >= 0.7, PMID: 27666373). To our knowledge, functional studies have not been reported for this variant. This variant has not been reported in individuals affected with ATM-related disorders in the literature. This variant has not been identified in the general population by the Genome Aggregation Database (gnomAD). The available evidence is insufficient to determine the role of this variant in disease conclusively. Therefore, this variant is classified as a Variant of Uncertain Significance.

Baylor Genetics
Classification: Uncertain significance for Familial cancer of breast. Last evaluated: 2023-10-08. Review status: criteria provided, single submitter. Criteria: ACMG Guidelines, 2015. Collection method: clinical testing. Allele origin: unknown.